The following is an entry in ClinVar:

ClinVar aggregate classification (germline): Benign/Likely benign. Review status: criteria provided, multiple submitters, no conflicts (2 of 4 stars). 9 submissions from 9 submitters: Benign (4); Likely benign (3). 2 of the submissions do not count toward it. Last evaluated 2026-02-04.

Conditions:
Left ventricular noncompaction 8 (LVNC8). Identifiers: Orphanet 154, Orphanet 54260, MedGen C3809288, MONDO:0014152, OMIM 615373.

Allele frequency attached by ClinVar (database versions not stated): gnomAD exomes 0.00040 and 0.00092; ExAC 0.00115; ESP Exome Variant Server 0.00337; gnomAD 0.00360 and 0.00386; TOPMed 0.00417; 1000 Genomes Project 0.00479; 1000 Genomes Project 30x 0.00531.
gnomAD v4.1: 1,146 of 1,613,628 alleles (0.071%); highest among the groups gnomAD compares: African/African-American, 1.3%; 4 homozygotes.

Submissions (9):

Labcorp Genetics (formerly Invitae), Labcorp
Classification: Benign for Left ventricular noncompaction 8. Last evaluated: 2026-02-04. Review status: criteria provided, single submitter. Criteria: Invitae Variant Classification Sherloc (09022015). Collection method: clinical testing. Allele origin: germline.

CeGaT Center for Human Genetics Tuebingen
Classification: Likely benign. Last evaluated: 2025-11-01. Review status: criteria provided, single submitter. Criteria: CeGaT Center For Human Genetics Tuebingen Variant Classification Criteria Version 2. Collection method: clinical testing. Allele origin: germline. Affected: yes. Observed: 1 variant allele.
Comment: PRDM16: BS1

Blueprint Genetics
Classification: Likely benign. Last evaluated: 2024-09-03. Review status: criteria provided, single submitter. Criteria: ACMG Guidelines, 2015. Collection method: clinical testing. Allele origin: germline.

Mayo Clinic Laboratories, Mayo Clinic
Classification: Benign. Last evaluated: 2024-04-30. Review status: criteria provided, single submitter. Criteria: ACMG Guidelines, 2015. Collection method: clinical testing. Allele origin: germline. Observed: 3 variant alleles.
Comment: BS1, BS2, BP4

Women's Health and Genetics/Laboratory Corporation of America, LabCorp
Classification: Likely benign. Last evaluated: 2023-08-19. Review status: criteria provided, single submitter. Criteria: LabCorp Variant Classification Summary - May 2015. Collection method: clinical testing. Allele origin: germline.

GeneDx
Classification: Benign. Last evaluated: 2016-12-27. Review status: criteria provided, single submitter. Criteria: GeneDx Variant Classification (06012015). Collection method: clinical testing. Allele origin: germline. Affected: yes.
Comment: This variant is considered likely benign or benign based on one or more of the following criteria: it is a conservative change, it occurs at a poorly conserved position in the protein, it is predicted to be benign by multiple in silico algorithms, and/or has population frequency not consistent with disease.

Laboratory for Molecular Medicine, Mass General Brigham Personalized Medicine
Classification: Benign. Last evaluated: 2014-11-24. Review status: criteria provided, single submitter. Criteria: LMM Criteria. Collection method: clinical testing. Allele origin: germline. Observed: 3 variant alleles.
Comment: Leu1044Phe in exon 14 of PRDM16: This variant is not expected to have clinical s ignificance because it has been identified in 1.0% (41/3922) of African American chromosomes from a broad population by the NHLBI Exome Sequencing Project (dbSNP rs187400273).

Clinical Genetics DNA and cytogenetics Diagnostics Lab, Erasmus MC, Erasmus Medical Center
Classification: Benign. Review status: no assertion criteria provided. Collection method: clinical testing. Allele origin: germline. Affected: yes. Study: VKGL Data-share Consensus. Not counted in ClinVar's aggregate classification.

Clinical Genetics, Academic Medical Center
Classification: Benign. Review status: no assertion criteria provided. Collection method: clinical testing. Allele origin: germline. Affected: yes. Study: VKGL Data-share Consensus. Not counted in ClinVar's aggregate classification.

NM_022114.4(PRDM16):c.3130C>T (p.Leu1044Phe)

Gene: PRDM16 (PR/SET domain 16; plus strand). Cytogenetic location: 1p36.32.
Variant type: single nucleotide variant.
Coding change: c.3130C>T on transcript NM_022114.4 (MANE Select); coding-DNA position 3130, C replaced by T.
Protein change: p.Leu1044Phe; replaces leucine 1044 with phenylalanine.
Molecular consequence: missense variant.
Genome position (GRCh38, 1-based): chr1:3,426,071, C>T. VCF-style: chr1-3426071-C-T. GRCh37 (hg19) VCF-style: chr1-3342635-C-T.
Other names: c.3130C>T, p.Leu1044Phe (NM_199454.3); short protein forms L1044F.
Identifiers: ClinVar variation 227034 (VCV000227034.26), dbSNP rs187400273, ClinGen allele CA544747.